The following is an entry in ClinVar:

ClinVar aggregate classification (germline): Uncertain significance. Review status: criteria provided, multiple submitters, no conflicts (2 of 4 stars). 3 submissions from 3 submitters: Uncertain significance (3). Last evaluated 2026-02-01.

Conditions:
Inborn genetic diseases. Identifiers: MedGen C0950123, MeSH D030342.
Autosomal dominant Parkinson disease 8. Also called: LRRK2-Related Parkinson Disease; Parkinson disease 8; Parkinson disease 8, susceptibility to. Identifiers: Orphanet 411602, MedGen C1846862, MONDO:0011764, OMIM 607060.

gnomAD v4.1: 21 of 1,613,924 alleles (0.0013%); highest among the groups gnomAD compares: Non-Finnish European, 0.0018%; no homozygotes.

Submissions (3):

CeGaT Center for Human Genetics Tuebingen
Classification: Uncertain significance. Last evaluated: 2026-02-01. Review status: criteria provided, single submitter. Criteria: CeGaT Center For Human Genetics Tuebingen Variant Classification Criteria Version 2. Collection method: clinical testing. Allele origin: germline. Affected: yes. Observed: 2 variant alleles.

Ambry Genetics
Classification: Uncertain significance for Inborn genetic diseases. Last evaluated: 2025-08-31. Review status: criteria provided, single submitter. Criteria: Ambry Variant Classification Scheme 2023. Collection method: clinical testing. Allele origin: germline.

Labcorp Genetics (formerly Invitae), Labcorp
Classification: Uncertain significance for Autosomal dominant Parkinson disease 8. Last evaluated: 2025-08-23. Review status: criteria provided, single submitter. Criteria: Invitae Variant Classification Sherloc (09022015). Collection method: clinical testing. Allele origin: germline.
Comment: This sequence change replaces phenylalanine, which is neutral and non-polar, with serine, which is neutral and polar, at codon 691 of the LRRK2 protein (p.Phe691Ser). This variant is present in population databases (rs372875244, gnomAD 0.005%). This variant has not been reported in the literature in individuals affected with LRRK2-related conditions. ClinVar contains an entry for this variant (Variation ID: 3388693). An algorithm developed to predict the effect of missense changes on protein structure and function (PolyPhen-2) suggests that this variant is likely to be disruptive. In summary, the available evidence is currently insufficient to determine the role of this variant in disease. Therefore, it has been classified as a Variant of Uncertain Significance.

NM_198578.4(LRRK2):c.2072T>C (p.Phe691Ser)

Gene: LRRK2 (leucine rich repeat kinase 2; plus strand). Cytogenetic location: 12q12.
Variant type: single nucleotide variant.
Coding change: c.2072T>C on transcript NM_198578.4 (MANE Select); coding-DNA position 2072, T replaced by C.
Protein change: p.Phe691Ser; replaces phenylalanine 691 with serine.
Molecular consequence: missense variant.
Genome position (GRCh38, 1-based): chr12:40,278,092, T>C. VCF-style: chr12-40278092-T-C. GRCh37 (hg19) VCF-style: chr12-40671894-T-C.
Other names: c.2072T>C (NM_198578.3); short protein forms F691S.
Identifiers: ClinVar variation 3388693 (VCV003388693.17).
Genomic context (GRCh38, chr12:40,278,092, plus strand): 5'-CTTGCATCCTAAATGTTATGTATTTATCTGACTCTAATTCTCATTTCCACTCTTTTTAGT[T>C]TCTAAACCTCTGTTGCAAGTGTTTTGCAAAAGTAGCTATGGATGATTACTTAAAAAATGT-3'
Protein context (NP_940980.4, residues 681-701): SNIMEQKDQQ[Phe691Ser]LNLCCKCFAK